The following is an entry in ClinVar:

ClinVar aggregate classification (germline): Uncertain significance (1 of 4 stars; one submission).

Conditions:
DICER1-related tumor predisposition. Also called: DICER1 syndrome; DICER1-related pleuropulmonary blastoma cancer predisposition syndrome. Identifiers: Orphanet 284343, MedGen C3839822, MONDO:0100216.

Submission:

Labcorp Genetics (formerly Invitae), Labcorp
Classification: Uncertain significance for DICER1-related tumor predisposition. Last evaluated: 2021-11-15. Review status: criteria provided, single submitter. Criteria: Invitae Variant Classification Sherloc (09022015). Collection method: clinical testing. Allele origin: germline.
Comment: This variant has not been reported in the literature in individuals affected with DICER1-related conditions. Algorithms developed to predict the effect of missense changes on protein structure and function output the following: SIFT: "Tolerated"; PolyPhen-2: "Benign"; Align-GVGD: "Class C0". The histidine amino acid residue is found in multiple mammalian species, which suggests that this missense change does not adversely affect protein function. In summary, the available evidence is currently insufficient to determine the role of this variant in disease. Therefore, it has been classified as a Variant of Uncertain Significance. This variant is not present in population databases (gnomAD no frequency). This sequence change replaces tyrosine, which is neutral and polar, with histidine, which is basic and polar, at codon 153 of the DICER1 protein (p.Tyr153His).

NM_177438.3(DICER1):c.457T>C (p.Tyr153His)

Gene: DICER1 (dicer 1, ribonuclease III; minus strand). Cytogenetic location: 14q32.13.
Variant type: single nucleotide variant.
Coding change: c.457T>C on transcript NM_177438.3 (MANE Select); coding-DNA position 457, T replaced by C.
Protein change: p.Tyr153His; replaces tyrosine 153 with histidine.
Molecular consequence: missense variant.
Genome position (GRCh38, 1-based): chr14:95,130,174, A>G on the plus strand (T>C on the coding strand, the complement: DICER1 is on the minus strand). VCF-style: chr14-95130174-A-G. GRCh37 (hg19) VCF-style: chr14-95596511-A-G.
Other names: c.457T>C, p.Tyr153His (NM_001195573.1, NM_001271282.3, NM_001291628.2 and 1 more transcripts); short protein forms Y153H.
Identifiers: ClinVar variation 1393466 (VCV001393466.7), dbSNP rs2140267701, ClinGen allele CA390888577.